The following is an entry in ClinVar:

ClinVar aggregate classification (germline): Uncertain significance (1 of 4 stars; one submission).

Conditions:
Aortic valve disease 2 (AOVD2). Identifiers: MedGen C3542024, MONDO:0013902, OMIM 614823.

gnomAD v4.1: 7 of 1,611,764 alleles (0.00043%); highest among the groups gnomAD compares: Non-Finnish European, 0.00059%; no homozygotes.

Submission:

Labcorp Genetics (formerly Invitae), Labcorp
Classification: Uncertain significance for Aortic valve disease 2. Last evaluated: 2023-11-28. Review status: criteria provided, single submitter. Criteria: Invitae Variant Classification Sherloc (09022015). Collection method: clinical testing. Allele origin: germline.
Comment: This sequence change falls in intron 2 of the SMAD6 gene. It does not directly change the encoded amino acid sequence of the SMAD6 protein. It affects a nucleotide within the consensus splice site. This variant is present in population databases (no rsID available, gnomAD 0.0009%). This variant has not been reported in the literature in individuals affected with SMAD6-related conditions. ClinVar contains an entry for this variant (Variation ID: 2078718). Variants that disrupt the consensus splice site are a relatively common cause of aberrant splicing (PMID: 17576681, 9536098). Algorithms developed to predict the effect of sequence changes on RNA splicing suggest that this variant is not likely to affect RNA splicing. In summary, the available evidence is currently insufficient to determine the role of this variant in disease. Therefore, it has been classified as a Variant of Uncertain Significance.

Literature cited by the submitters: PubMed 17576681; PubMed 9536098.

NM_005585.5(SMAD6):c.874+4A>C

Gene: SMAD6 (SMAD family member 6; plus strand). Cytogenetic location: 15q22.31.
Variant type: single nucleotide variant.
Coding change: c.874+4A>C on transcript NM_005585.5 (MANE Select); 4 bases into the intron after coding-DNA position 874, A replaced by C.
Molecular consequence: intron variant.
Genome position (GRCh38, 1-based): chr15:66,711,728, A>C. VCF-style: chr15-66711728-A-C. GRCh37 (hg19) VCF-style: chr15-67004066-A-C.
Identifiers: ClinVar variation 2078718 (VCV002078718.4), dbSNP rs375338619, ClinGen allele CA618679396.